The following is an entry in ClinVar:

ClinVar aggregate classification (germline): Likely benign. Review status: criteria provided, multiple submitters, no conflicts (2 of 4 stars). 3 submissions from 3 submitters: Likely benign (3). Last evaluated 2025-11-27.

Conditions:
Early-infantile DEE. Also called: Ohtahara syndrome; Early infantile epileptic encephalopathy with suppression bursts; Early infantile epileptic encephalopathy. Identifiers: Orphanet 1934, MedGen C0393706, MONDO:0800491.

Allele frequency attached by ClinVar (database versions not stated): ExAC 0.00001; gnomAD exomes 0.00002 and 0.00008; gnomAD 0.00005; TOPMed 0.00007.
gnomAD v4.1: 124 of 1,614,112 alleles (0.0077%); highest among the groups gnomAD compares: Non-Finnish European, 0.0098%; no homozygotes.

Submissions (3):

Labcorp Genetics (formerly Invitae), Labcorp
Classification: Likely benign for Early-infantile DEE. Last evaluated: 2025-11-27. Review status: criteria provided, single submitter. Criteria: Invitae Variant Classification Sherloc (09022015). Collection method: clinical testing. Allele origin: germline.

Mayo Clinic Laboratories, Mayo Clinic
Classification: Likely benign. Last evaluated: 2025-02-10. Review status: criteria provided, single submitter. Criteria: ACMG Guidelines, 2015. Collection method: clinical testing. Allele origin: germline. Observed: 1 variant allele.
Comment: BP4, BP7

GeneDx
Classification: Likely benign. Last evaluated: 2019-08-14. Review status: criteria provided, single submitter. Criteria: GeneDx Variant Classification Process June 2021. Collection method: clinical testing. Allele origin: germline. Affected: yes.

NM_001130438.3(SPTAN1):c.5331C>T (p.Asp1777=)

Gene: SPTAN1 (spectrin alpha, non-erythrocytic 1; plus strand). Cytogenetic location: 9q34.11.
Variant type: single nucleotide variant.
Coding change: c.5331C>T on transcript NM_001130438.3 (MANE Select); coding-DNA position 5331, C replaced by T.
Protein change: p.Asp1777=; no amino-acid change (aspartic acid 1777 retained).
Molecular consequence: synonymous variant.
Genome position (GRCh38, 1-based): chr9:128,615,814, C>T. VCF-style: chr9-128615814-C-T. GRCh37 (hg19) VCF-style: chr9-131378093-C-T.
Other names: p.Asp1777=; c.5256C>T, p.Asp1752= (NM_001195532.2); c.5331C>T, p.Asp1777= (NM_001363759.2, NM_001375310.1, NM_001375311.2 and 1 more transcripts); c.5271C>T, p.Asp1757= (NM_001363765.2, NM_001375314.2); c.5367C>T, p.Asp1789= (NM_001375312.2, NM_001375318.1); c.5316C>T, p.Asp1772= (NM_003127.4).
Identifiers: ClinVar variation 699822 (VCV000699822.15), dbSNP rs758017157, ClinGen allele CA5265424.